The following is an entry in ClinVar:

ClinVar aggregate classification (germline): Pathogenic/Likely pathogenic. Review status: criteria provided, multiple submitters, no conflicts (2 of 4 stars). 2 submissions from 2 submitters: Pathogenic (1); Likely pathogenic (1). Last evaluated 2025-04-24.

Conditions:
Ehlers-Danlos syndrome, classic type, 1 (EDSCL1). Also called: Ehlers-Danlos syndrome, type 1; Ehlers-Danlos Syndrome, Classic Type, COL5A1-Related; EDS I; EHLERS-DANLOS SYNDROME, GRAVIS TYPE; EHLERS-DANLOS SYNDROME, SEVERE CLASSIC TYPE. Identifiers: MedGen C0268335, MONDO:0019567, OMIM 130000.
Osteogenesis imperfecta type I (OI1). Also called: Osteogenesis imperfecta type 1; Lobstein's Disease; Lobstein disease; OI, TYPE I; OSTEOGENESIS IMPERFECTA TARDA; OSTEOGENESIS IMPERFECTA WITH BLUE SCLERAE. Identifiers: Orphanet 216796, Orphanet 666, MedGen C0023931, MONDO:0008146, OMIM 166200. Disease mechanism: loss of function.

Submissions (2):

Labcorp Genetics (formerly Invitae), Labcorp
Classification: Likely pathogenic for Osteogenesis imperfecta type I; Ehlers-Danlos syndrome, classic type, 1. Last evaluated: 2025-04-24. Review status: criteria provided, single submitter. Criteria: Invitae Variant Classification Sherloc (09022015). Collection method: clinical testing. Allele origin: germline.
Comment: This sequence change replaces glycine, which is neutral and non-polar, with glutamic acid, which is acidic and polar, at codon 817 of the COL1A2 protein (p.Gly817Glu). This variant is not present in population databases (gnomAD no frequency). This variant has not been reported in the literature in individuals affected with COL1A2-related conditions. ClinVar contains an entry for this variant (Variation ID: 1807137). Invitae Evidence Modeling of protein sequence and biophysical properties (such as structural, functional, and spatial information, amino acid conservation, physicochemical variation, residue mobility, and thermodynamic stability) indicates that this missense variant is expected to disrupt COL1A2 protein function with a positive predictive value of 95%. This variant disrupts the triple helix domain of COL1A2. Glycine residues within the Gly-Xaa-Yaa repeats of the triple helix domain are required for the structure and stability of fibrillar collagens (PMID: 7695699, 8218237, 19344236). In COL1A2, variants affecting these glycine residues are significantly enriched in individuals with disease (PMID: 9016532, 17078022) compared to the general population (ExAC). In summary, the currently available evidence indicates that the variant is pathogenic, but additional data are needed to prove that conclusively. Therefore, this variant has been classified as Likely Pathogenic.

Athena Diagnostics
Classification: Pathogenic. Last evaluated: 2022-02-17. Review status: criteria provided, single submitter. Criteria: Athena Diagnostics Criteria. Collection method: clinical testing. Allele origin: unknown.
Comment: This variant has not been reported in large, multi-ethnic general populations. This variant has been identified in at least one individual tested at Athena Diagnostics with clinical features associated with this gene. The majority of the pathogenic variants in this gene involve the substitution of a glycine residue in the triple-helix domain, resulting in disruption of protein function (PMID: 29632050, 21421911, 19344236). This variant alters a critical location within the protein, and is expected to severely affect function and cause disease.

Literature cited by the submitters: PubMed 7695699 (cited by Labcorp Genetics (formerly Invitae), Labcorp); PubMed 8218237 (cited by Labcorp Genetics (formerly Invitae), Labcorp); PubMed 19344236 (cited by Labcorp Genetics (formerly Invitae), Labcorp); PubMed 9016532 (cited by Labcorp Genetics (formerly Invitae), Labcorp); PubMed 17078022 (cited by Labcorp Genetics (formerly Invitae), Labcorp).

NM_000089.4(COL1A2):c.2450G>A (p.Gly817Glu)

Gene: COL1A2 (collagen type I alpha 2 chain; plus strand). Cytogenetic location: 7q21.3.
Variant type: single nucleotide variant.
Coding change: c.2450G>A on transcript NM_000089.4 (MANE Select); coding-DNA position 2450, G replaced by A.
Protein change: p.Gly817Glu; replaces glycine 817 with glutamic acid.
Molecular consequence: missense variant.
Genome position (GRCh38, 1-based): chr7:94,423,003, G>A. VCF-style: chr7-94423003-G-A. GRCh37 (hg19) VCF-style: chr7-94052315-G-A.
Other names: short protein forms G817E.
Identifiers: ClinVar variation 1807137 (VCV001807137.2), dbSNP rs2484729427, ClinGen allele CA368223959.